The following is an entry in ClinVar:

NM_007294.4(BRCA1):c.2403T>A (p.Cys801Ter)

Gene: BRCA1 (BRCA1 DNA repair associated; minus strand). Cytogenetic location: 17q21.31.
Variant type: single nucleotide variant.
Coding change: c.2403T>A on transcript NM_007294.4 (MANE Select); coding-DNA position 2403, T replaced by A.
Protein change: p.Cys801Ter; replaces cysteine 801 with a stop codon.
Molecular consequence: nonsense. On other transcripts: intron variant (137).
Genome position (GRCh38, 1-based): chr17:43,093,128, A>T on the plus strand (T>A on the coding strand, the complement: BRCA1 is on the minus strand). VCF-style: chr17-43093128-A-T. GRCh37 (hg19) VCF-style: chr17-41245145-A-T.
Other names: c.2280T>A, p.Cys760Ter (NM_001407919.1, NM_001407937.1, NM_001407938.1 and 19 more transcripts); c.2139T>A, p.Cys713Ter (NM_001407920.1, NM_001407921.1, NM_001407922.1 and 9 more transcripts); c.2136T>A, p.Cys712Ter (NM_001407930.1, NM_001407931.1, NM_001407932.1 and 2 more transcripts); c.2277T>A, p.Cys759Ter (NM_001407940.1, NM_001407941.1, NM_001407649.1 and 11 more transcripts); c.2262T>A, p.Cys754Ter (NM_001407942.1, NM_001407944.1, NM_001407945.1 and 29 more transcripts); c.2259T>A, p.Cys753Ter (NM_001407943.1, NM_001407964.1, NM_001407740.1 and 20 more transcripts); c.2070T>A, p.Cys690Ter (NM_001407946.1, NM_001407947.1, NM_001407948.1 and 6 more transcripts); c.2067T>A, p.Cys689Ter (NM_001407954.1, NM_001407955.1, NM_001407956.1 and 1 more transcripts); and 41 more; short protein forms C801*, C754*, C689*, C731*, C753*, C759*, C760*, C798*.
Identifiers: ClinVar variation 54557 (VCV000054557.13), dbSNP rs80357381, ClinGen allele CA001597.
Genomic context (GRCh38, chr17:43,093,128, plus strand): 5'-ATCTTTGGAACAACCATGAATTAGTCCCTTGGGGTTTTCAAATGCTGCACACTGACTCAC[A>T]CATTTATTTGGTTCTGTTTTTGCCTTCCCTAGAGTGCTAACTTCCAGTAACGAGATACTT-3'

ClinVar aggregate classification (germline): Pathogenic. Review status: reviewed by expert panel (3 of 4 stars). 7 submissions from 7 submitters: Pathogenic (1). 6 of the submissions do not count toward it. Last evaluated 2016-09-08.

Conditions:
Hereditary cancer-predisposing syndrome. Also called: Tumor predisposition; Neoplastic Syndromes, Hereditary; Hereditary Cancer Syndrome; Hereditary neoplastic syndrome. Identifiers: Orphanet 140162, MedGen C0027672, MeSH D009386, MONDO:0015356.
Hereditary breast ovarian cancer syndrome. Also called: Hereditary breast and ovarian cancer syndrome (HBOC); Hereditary breast and ovarian cancer syndrome; Hereditary breast and ovarian cancer; Hereditary breast and/or ovarian cancer syndrome; Breast and ovarian cancer; BRCA1- and BRCA2-Associated Hereditary Breast and Ovarian Cancer. Identifiers: Orphanet 145, MedGen C0677776, MeSH D061325, MONDO:0003582. Disease mechanism: loss of function.
Breast-ovarian cancer, familial, susceptibility to, 1 (BROVCA1). Also called: OVARIAN CANCER, SUSCEPTIBILITY TO; BRCA1 Hereditary Breast and Ovarian Cancer. Identifiers: Orphanet 145, MedGen C2676676, MONDO:0011450, OMIM 604370. Disease mechanism: loss of function.

Submissions (7):

Evidence-based Network for the Interpretation of Germline Mutant Alleles (ENIGMA)
Classification: Pathogenic for Breast-ovarian cancer, familial, susceptibility to, 1. Last evaluated: 2016-09-08. Review status: reviewed by expert panel. Criteria: ENIGMA BRCA1/2 Classification Criteria (2015). Collection method: curation. Allele origin: germline.
Comment: Variant allele predicted to encode a truncated non-functional protein.

Ambry Genetics
Classification: Pathogenic for Hereditary cancer-predisposing syndrome. Last evaluated: 2025-04-01. Review status: criteria provided, single submitter. Criteria: Ambry Variant Classification Scheme 2023. Collection method: clinical testing. Allele origin: germline. Not counted in ClinVar's aggregate classification.
Comment: The p.C801* pathogenic mutation (also known as c.2403T>A), located in coding exon 9 of the BRCA1 gene, results from a T to A substitution at nucleotide position 2403. This changes the amino acid from a cysteine to a stop codon within coding exon 9. This variant is considered to be rare based on population cohorts in the Genome Aggregation Database (gnomAD). This alteration is expected to result in loss of function by premature protein truncation or nonsense-mediated mRNA decay. As such, this alteration is interpreted as a disease-causing mutation.

Labcorp Genetics (formerly Invitae), Labcorp
Classification: Pathogenic for Hereditary breast ovarian cancer syndrome. Last evaluated: 2023-08-09. Review status: criteria provided, single submitter. Criteria: Invitae Variant Classification Sherloc (09022015). Collection method: clinical testing. Allele origin: germline. Not counted in ClinVar's aggregate classification.
Comment: For these reasons, this variant has been classified as Pathogenic. ClinVar contains an entry for this variant (Variation ID: 54557). This premature translational stop signal has been observed in individual(s) with personal and/or family history of breast and/or ovarian cancer (PMID: 29446198). This variant is not present in population databases (gnomAD no frequency). This sequence change creates a premature translational stop signal (p.Cys801*) in the BRCA1 gene. It is expected to result in an absent or disrupted protein product. Loss-of-function variants in BRCA1 are known to be pathogenic (PMID: 20104584).

Consortium of Investigators of Modifiers of BRCA1/2 (CIMBA), c/o University of Cambridge
Classification: Pathogenic for Breast-ovarian cancer, familial, susceptibility to, 1. Last evaluated: 2015-10-02. Review status: criteria provided, single submitter. Criteria: CIMBA Mutation Classification guidelines May 2016. Collection method: clinical testing. Allele origin: germline. Not counted in ClinVar's aggregate classification.

Research Molecular Genetics Laboratory, Women's College Hospital, University of Toronto
Classification: Pathogenic for Hereditary breast ovarian cancer syndrome. Last evaluated: 2014-01-31. Review status: no assertion criteria provided. Collection method: research. Allele origin: germline. Affected: yes. Study: The Canadian Open Genetics Repository (COGR). Not counted in ClinVar's aggregate classification.

Sharing Clinical Reports Project (SCRP)
Classification: Pathogenic for Breast-ovarian cancer, familial 1. Last evaluated: 2012-05-01. Review status: no assertion criteria provided. Collection method: clinical testing. Allele origin: germline. Not counted in ClinVar's aggregate classification.

Breast Cancer Information Core (BIC) (BRCA1)
Classification: Pathogenic for Breast-ovarian cancer, familial 1. Last evaluated: 2004-11-25. Review status: no assertion criteria provided. Collection method: clinical testing. Allele origin: germline. Affected: yes. Observed: 1 variant allele. Not counted in ClinVar's aggregate classification.

Literature cited by the submitters: PubMed 29446198 (cited by Labcorp Genetics (formerly Invitae), Labcorp); PubMed 20104584 (cited by Labcorp Genetics (formerly Invitae), Labcorp).